The following is an entry in ClinVar:

ClinVar aggregate classification (germline): Uncertain significance. Review status: criteria provided, multiple submitters, no conflicts (2 of 4 stars). 2 submissions from 2 submitters: Uncertain significance (2). Last evaluated 2025-05-06.

Allele frequency attached by ClinVar (database versions not stated): gnomAD 0.00001; TOPMed 0.00001; ExAC 0.00002; gnomAD exomes 0.00002.
gnomAD v4.1: 11 of 1,614,012 alleles (0.00068%); highest among the groups gnomAD compares: Admixed American, 0.0033%; no homozygotes.

Submissions (2):

Mayo Clinic Laboratories, Mayo Clinic
Classification: Uncertain significance. Last evaluated: 2025-05-06. Review status: criteria provided, single submitter. Criteria: ACMG Guidelines, 2015. Collection method: clinical testing. Allele origin: germline. Observed: 1 variant allele.
Comment: BP4_moderate, PM2_supporting

Labcorp Genetics (formerly Invitae), Labcorp
Classification: Uncertain significance. Last evaluated: 2024-04-15. Review status: criteria provided, single submitter. Criteria: Invitae Variant Classification Sherloc (09022015). Collection method: clinical testing. Allele origin: germline.
Comment: This sequence change replaces arginine, which is basic and polar, with histidine, which is basic and polar, at codon 1037 of the RNF31 protein (p.Arg1037His). This variant is present in population databases (rs775187700, gnomAD 0.006%). This variant has not been reported in the literature in individuals affected with RNF31-related conditions. ClinVar contains an entry for this variant (Variation ID: 1414379). Algorithms developed to predict the effect of missense changes on protein structure and function output the following: SIFT: "Not Available"; PolyPhen-2: "Benign"; Align-GVGD: "Not Available". The histidine amino acid residue is found in multiple mammalian species, which suggests that this missense change does not adversely affect protein function. In summary, the available evidence is currently insufficient to determine the role of this variant in disease. Therefore, it has been classified as a Variant of Uncertain Significance.

NM_017999.5(RNF31):c.3110G>A (p.Arg1037His)

Gene: RNF31 (ring finger protein 31; plus strand). Cytogenetic location: 14q12.
Variant type: single nucleotide variant.
Coding change: c.3110G>A on transcript NM_017999.5 (MANE Select); coding-DNA position 3110, G replaced by A.
Protein change: p.Arg1037His; replaces arginine 1037 with histidine.
Molecular consequence: missense variant.
Genome position (GRCh38, 1-based): chr14:24,160,352, G>A. VCF-style: chr14-24160352-G-A. GRCh37 (hg19) VCF-style: chr14-24629561-G-A.
Other names: p.Arg1037His; c.2657G>A, p.Arg886His (NM_001310332.2); short protein forms R886H, R1037H.
Identifiers: ClinVar variation 1414379 (VCV001414379.9), dbSNP rs775187700, ClinGen allele CA7126272.